The following is an entry in ClinVar:

ClinVar aggregate classification (germline): Uncertain significance (1 of 4 stars; one submission).

Conditions:
Familial focal epilepsy with variable foci (FPEVF). Identifiers: Orphanet 98820, MedGen C1858477, MONDO:0020310.

gnomAD v4.1: 2 of 1,614,214 alleles (0.00012%); highest among the groups gnomAD compares: East Asian, 0.0022%; no homozygotes.

Submission:

Labcorp Genetics (formerly Invitae), Labcorp
Classification: Uncertain significance for Familial focal epilepsy with variable foci. Last evaluated: 2024-05-21. Review status: criteria provided, single submitter. Criteria: Invitae Variant Classification Sherloc (09022015). Collection method: clinical testing. Allele origin: germline.
Comment: This sequence change replaces serine, which is neutral and polar, with phenylalanine, which is neutral and non-polar, at codon 505 of the DEPDC5 protein (p.Ser505Phe). This variant is not present in population databases (gnomAD no frequency). This variant has not been reported in the literature in individuals affected with DEPDC5-related conditions. Experimental studies and prediction algorithms are not available or were not evaluated, and the functional significance of this variant is currently unknown. In summary, the available evidence is currently insufficient to determine the role of this variant in disease. Therefore, it has been classified as a Variant of Uncertain Significance.

NM_001242896.3(DEPDC5):c.1514C>T (p.Ser505Phe)

Gene: DEPDC5 (DEP domain containing 5, GATOR1 subcomplex subunit; plus strand). Cytogenetic location: 22q12.3.
Variant type: single nucleotide variant.
Coding change: c.1514C>T on transcript NM_001242896.3 (MANE Select); coding-DNA position 1514, C replaced by T.
Protein change: p.Ser505Phe; replaces serine 505 with phenylalanine.
Molecular consequence: missense variant. On other transcripts: non-coding transcript variant (5).
Genome position (GRCh38, 1-based): chr22:31,815,060, C>T. VCF-style: chr22-31815060-C-T. GRCh37 (hg19) VCF-style: chr22-32211046-C-T.
Other names: c.1514C>T, p.Ser505Phe (NM_001007188.4, NM_001136029.4, NM_001242897.2 and 7 more transcripts); c.1430C>T, p.Ser477Phe (NM_001369901.1, NM_001369902.1); short protein forms S477F, S505F.
Identifiers: ClinVar variation 3705156 (VCV003705156.2).
Genomic context (GRCh38, chr22:31,815,060, plus strand): 5'-GAGAGCGAGAGAGTCACAGTCGAAAGAGTGCCAGCTCCTGTGATGTTTCATCCAGCCCTT[C>T]CCTACCAAGCCGCACACTGCCCACTGAGGAAGTGAGGAGCCAGGCTTCTGACGACAGCTC-3'
Protein context (NP_001229825.1, residues 495-515): ASSCDVSSSP[Ser505Phe]LPSRTLPTEE